The following is an entry in ClinVar:

ClinVar aggregate classification (germline): Likely benign (0 of 4 stars; one submission).

Conditions:
SCLT1-related disorder. Also called: SCLT1-related condition.

gnomAD v4.1: 2 of 1,533,118 alleles (0.00013%); highest among the groups gnomAD compares: Non-Finnish European, 0.00018%; no homozygotes.

Submission:

PreventionGenetics, part of Exact Sciences
Classification: Likely benign for SCLT1-related condition. Last evaluated: 2024-09-16. Review status: no assertion criteria provided. Collection method: clinical testing. Allele origin: germline.
Comment: This variant is classified as likely benign based on ACMG/AMP sequence variant interpretation guidelines (Richards et al. 2015 PMID: 25741868, with internal and published modifications).

NM_144643.4(SCLT1):c.103-3T>C

Gene: SCLT1 (sodium channel and clathrin linker 1; minus strand). Cytogenetic location: 4q28.2.
Variant type: single nucleotide variant.
Coding change: c.103-3T>C on transcript NM_144643.4 (MANE Select); 3 bases into the intron before coding-DNA position 103, T replaced by C.
Molecular consequence: intron variant.
Genome position (GRCh38, 1-based): chr4:129,044,054, A>G on the plus strand (T>C on the coding strand, the complement: SCLT1 is on the minus strand). VCF-style: chr4-129044054-A-G. GRCh37 (hg19) VCF-style: chr4-129965209-A-G.
Other names: c.103-3T>C (NM_001410807.1, NM_001300898.2, NM_001300897.2).
Identifiers: ClinVar variation 3357464 (VCV003357464.1).